The following is an entry in ClinVar:

NM_000488.4(SERPINC1):c.1066C>T (p.Arg356Cys)

Gene: SERPINC1 (serpin family C member 1; minus strand). Cytogenetic location: 1q25.1.
Variant type: single nucleotide variant.
Coding change: c.1066C>T on transcript NM_000488.4 (MANE Select); coding-DNA position 1066, C replaced by T.
Protein change: p.Arg356Cys; replaces arginine 356 with cysteine.
Molecular consequence: missense variant.
Genome position (GRCh38, 1-based): chr1:173,909,639, G>A on the plus strand (C>T on the coding strand, the complement: SERPINC1 is on the minus strand). VCF-style: chr1-173909639-G-A. GRCh37 (hg19) VCF-style: chr1-173878777-G-A.
Other names: c.922C>T, p.Arg308Cys (NM_001365052.2); c.1189C>T, p.Arg397Cys (NM_001386302.1); c.1147C>T, p.Arg383Cys (NM_001386303.1); c.1045C>T, p.Arg349Cys (NM_001386304.1); c.1009C>T, p.Arg337Cys (NM_001386305.1); c.850C>T, p.Arg284Cys (NM_001386306.1); short protein forms R308C, R356C, R284C, R337C, R349C, R383C, R397C.
Identifiers: ClinVar variation 874664 (VCV000874664.5), dbSNP rs376752370, ClinGen allele CA1251288.

ClinVar aggregate classification (germline): Uncertain significance. Review status: criteria provided, multiple submitters, no conflicts (2 of 4 stars). 2 submissions from 2 submitters: Uncertain significance (2). Last evaluated 2025-04-08.

Conditions:
Hereditary antithrombin deficiency (AT3D). Also called: Reduced antithrombin III activity; Antithrombin III deficiency; Thrombophilia due to antithrombin III deficiency; Antithrombin deficiency. Identifiers: Orphanet 82, MedGen C0272375, MONDO:0013144, OMIM 613118, HP:0001976.

Allele frequency attached by ClinVar (database versions not stated): ExAC 0.00002; gnomAD exomes 0.00002; ESP Exome Variant Server 0.00008; TOPMed 0.00009; gnomAD 0.00012 and 0.00013.
gnomAD v4.1: 51 of 1,613,872 alleles (0.0032%); highest among the groups gnomAD compares: African/African-American, 0.044%; no homozygotes.

Submissions (2):

Labcorp Genetics (formerly Invitae), Labcorp
Classification: Uncertain significance for Hereditary antithrombin deficiency. Last evaluated: 2025-04-08. Review status: criteria provided, single submitter. Criteria: Invitae Variant Classification Sherloc (09022015). Collection method: clinical testing. Allele origin: germline.
Comment: This sequence change replaces arginine, which is basic and polar, with cysteine, which is neutral and slightly polar, at codon 356 of the SERPINC1 protein (p.Arg356Cys). This variant is present in population databases (rs376752370, gnomAD 0.02%). This variant has not been reported in the literature in individuals affected with SERPINC1-related conditions. ClinVar contains an entry for this variant (Variation ID: 874664). Invitae Evidence Modeling of protein sequence and biophysical properties (such as structural, functional, and spatial information, amino acid conservation, physicochemical variation, residue mobility, and thermodynamic stability) has been performed for this missense variant. However, the output from this modeling did not meet the statistical confidence thresholds required to predict the impact of this variant on SERPINC1 protein function. In summary, the available evidence is currently insufficient to determine the role of this variant in disease. Therefore, it has been classified as a Variant of Uncertain Significance.

Illumina Laboratory Services, Illumina
Classification: Uncertain significance for Hereditary antithrombin deficiency. Last evaluated: 2018-01-12. Review status: criteria provided, single submitter. Criteria: ICSL Variant Classification Criteria 13 December 2019. Collection method: clinical testing. Allele origin: germline.